The following is an entry in ClinVar:

NM_003200.5(TCF3):c.88G>A (p.Val30Ile)

Gene: TCF3 (transcription factor 3; minus strand). Cytogenetic location: 19p13.3.
Variant type: single nucleotide variant.
Coding change: c.88G>A on transcript NM_003200.5 (MANE Select); coding-DNA position 88, G replaced by A.
Protein change: p.Val30Ile; replaces valine 30 with isoleucine.
Molecular consequence: missense variant.
Genome position (GRCh38, 1-based): chr19:1,646,412, C>T on the plus strand (G>A on the coding strand, the complement: TCF3 is on the minus strand). VCF-style: chr19-1646412-C-T. GRCh37 (hg19) VCF-style: chr19-1646411-C-T.
Other names: c.88G>A, p.Val30Ile (NM_001136139.4, NM_001351778.2, NM_001351779.2); short protein forms V30I.
Identifiers: ClinVar variation 3344020 (VCV003344020.1).

ClinVar aggregate classification (germline): Uncertain significance (0 of 4 stars; one submission).

Conditions:
TCF3-related disorder. Also called: TCF3-related condition.

gnomAD v4.1: 1 of 1,550,198 alleles (0.000065%); no homozygotes.

Submission:

PreventionGenetics, part of Exact Sciences
Classification: Uncertain significance for TCF3-related condition. Last evaluated: 2024-06-28. Review status: no assertion criteria provided. Collection method: clinical testing. Allele origin: germline.
Comment: The TCF3 c.88G>A variant is predicted to result in the amino acid substitution p.Val30Ile. To our knowledge, this variant has not been reported in the literature or in a large population database, indicating this variant is rare. At this time, the clinical significance of this variant is uncertain due to the absence of conclusive functional and genetic evidence.